The following is an entry in ClinVar:

NM_000051.4(ATM):c.6024C>G (p.Ile2008Met)

Genes: ATM (ATM serine/threonine kinase; plus strand), C11orf65 (chromosome 11 open reading frame 65; minus strand). Cytogenetic location: 11q22.3.
Variant type: single nucleotide variant.
Coding change: c.6024C>G on transcript NM_000051.4 (MANE Select); coding-DNA position 6024, C replaced by G.
Protein change: p.Ile2008Met; replaces isoleucine 2008 with methionine.
Molecular consequence: missense variant. On other transcripts: intron variant (2).
Genome position (GRCh38, 1-based): chr11:108,315,840, C>G. VCF-style: chr11-108315840-C-G. GRCh37 (hg19) VCF-style: chr11-108186567-C-G.
Other names: c.6024C>G, p.Ile2008Met (NM_001351834.2); c.641-6769G>C (NM_001330368.2); c.*39-6769G>C (NM_001351110.2); short protein forms I2008M.
Identifiers: ClinVar variation 1401776 (VCV001401776.46), dbSNP rs2136118296, ClinGen allele CA382549858.
Genomic context (GRCh38, chr11:108,315,840, plus strand): 5'-ATTTTTTTTCCTTCTTCAATTTTTGTTGTTTCCATGTTTTCAGGATCTTCTCTTAGAAAT[C>G]TACAGAAGTATAGGGGAGCCAGATAGTTTGTATGGCTGTGGTGGAGGGAAGATGTTACAA-3'
Protein context (NP_000042.3, residues 1998-2018): GISLQDLLLE[Ile2008Met]YRSIGEPDSL

ClinVar aggregate classification (germline): Uncertain significance (1 of 4 stars; one submission).

Conditions:
Ataxia-telangiectasia syndrome (AT). Also called: Ataxia-telangiectasia; LOUIS-BAR SYNDROME; Ataxia-telangiectasia, complementation group D; AT, COMPLEMENTATION GROUP C; ATAXIA-TELANGIECTASIA, COMPLEMENTATION GROUP A; ATAXIA-TELANGIECTASIA, FRESNO VARIANT. Identifiers: Orphanet 100, MedGen C0004135, MONDO:0008840, OMIM 208900.

Submission:

Labcorp Genetics (formerly Invitae), Labcorp
Classification: Uncertain significance for Ataxia-telangiectasia syndrome. Last evaluated: 2025-07-16. Review status: criteria provided, single submitter. Criteria: Invitae Variant Classification Sherloc (09022015). Collection method: clinical testing. Allele origin: germline.
Comment: This sequence change replaces isoleucine, which is neutral and non-polar, with methionine, which is neutral and non-polar, at codon 2008 of the ATM protein (p.Ile2008Met). This variant is not present in population databases (gnomAD no frequency). This variant has not been reported in the literature in individuals affected with ATM-related conditions. ClinVar contains an entry for this variant (Variation ID: 1401776). Invitae Evidence Modeling of protein sequence and biophysical properties (such as structural, functional, and spatial information, amino acid conservation, physicochemical variation, residue mobility, and thermodynamic stability) indicates that this missense variant is not expected to disrupt ATM protein function with a negative predictive value of 95%. In summary, the available evidence is currently insufficient to determine the role of this variant in disease. Therefore, it has been classified as a Variant of Uncertain Significance.